The following is an entry in ClinVar:

NM_024408.4(NOTCH2):c.2939A>T (p.Asp980Val)

Gene: NOTCH2 (notch receptor 2; minus strand). Cytogenetic location: 1p12.
Variant type: single nucleotide variant.
Coding change: c.2939A>T on transcript NM_024408.4 (MANE Select); coding-DNA position 2939, A replaced by T.
Protein change: p.Asp980Val; replaces aspartic acid 980 with valine.
Molecular consequence: missense variant.
Genome position (GRCh38, 1-based): chr1:119,941,568, T>A on the plus strand (A>T on the coding strand, the complement: NOTCH2 is on the minus strand). VCF-style: chr1-119941568-T-A. GRCh37 (hg19) VCF-style: chr1-120484191-T-A.
Other names: c.2939A>T, p.Asp980Val (NM_001200001.2); short protein forms D980V.
Identifiers: ClinVar variation 4982763 (VCV004982763.1).

ClinVar aggregate classification (germline): Uncertain significance (1 of 4 stars; one submission).

Conditions:
NOTCH2-related disorder. Also called: NOTCH2-related condition.

gnomAD v4.1: 2 of 1,614,146 alleles (0.00012%); highest among the groups gnomAD compares: East Asian, 0.0022%; no homozygotes.

Submission:

PreventionGenetics, part of Exact Sciences
Classification: Uncertain significance for NOTCH2-related condition. Last evaluated: 2026-07-28. Review status: criteria provided, single submitter. Criteria: ACMG Guidelines, 2015. Collection method: clinical testing. Allele origin: germline.
Comment: The NOTCH2 c.2939A>T variant is predicted to result in the amino acid substitution p.Asp980Val. To our knowledge, this variant has not been reported in the literature or in a large population database (gnomAD), indicating this variant is rare. At this time, the clinical significance of this variant is uncertain due to the absence of conclusive functional and genetic evidence.